The following is an entry in ClinVar:

ClinVar aggregate classification (germline): Uncertain significance. Review status: criteria provided, multiple submitters, no conflicts (2 of 4 stars). 2 submissions from 2 submitters: Uncertain significance (2). Last evaluated 2024-02-24.

Conditions:
Intellectual developmental disorder, autosomal dominant 1. Also called: Intellectual disability, autosomal dominant 1; MBD5 Haploinsufficiency. Identifiers: Orphanet 228402, MedGen C1969562, MONDO:0007974, OMIM 156200.

Submissions (2):

Labcorp Genetics (formerly Invitae), Labcorp
Classification: Uncertain significance for Intellectual developmental disorder, autosomal dominant 1. Last evaluated: 2024-02-24. Review status: criteria provided, single submitter. Criteria: Invitae Variant Classification Sherloc (09022015). Collection method: clinical testing. Allele origin: germline.
Comment: This sequence change replaces leucine, which is neutral and non-polar, with phenylalanine, which is neutral and non-polar, at codon 35 of the MBD5 protein (p.Leu35Phe). This variant is not present in population databases (gnomAD no frequency). This variant has not been reported in the literature in individuals affected with MBD5-related conditions. ClinVar contains an entry for this variant (Variation ID: 1008731). Advanced modeling of protein sequence and biophysical properties (such as structural, functional, and spatial information, amino acid conservation, physicochemical variation, residue mobility, and thermodynamic stability) performed at Invitae indicates that this missense variant is not expected to disrupt MBD5 protein function with a negative predictive value of 80%. In summary, the available evidence is currently insufficient to determine the role of this variant in disease. Therefore, it has been classified as a Variant of Uncertain Significance.

GeneDx
Classification: Uncertain significance. Last evaluated: 2021-11-02. Review status: criteria provided, single submitter. Criteria: GeneDx Variant Classification Process June 2021. Collection method: clinical testing. Allele origin: germline. Affected: yes.
Comment: Not observed at significant frequency in large population cohorts (gnomAD); In silico analysis supports that this missense variant does not alter protein structure/function; Has not been previously published as pathogenic or benign to our knowledge

NM_001378120.1(MBD5):c.103C>T (p.Leu35Phe)

Gene: MBD5 (methyl-CpG binding domain protein 5; plus strand). Cytogenetic location: 2q23.1.
Variant type: single nucleotide variant.
Coding change: c.103C>T on transcript NM_001378120.1 (MANE Select); coding-DNA position 103, C replaced by T.
Protein change: p.Leu35Phe; replaces leucine 35 with phenylalanine.
Molecular consequence: missense variant.
Genome position (GRCh38, 1-based): chr2:148,458,861, C>T. VCF-style: chr2-148458861-C-T. GRCh37 (hg19) VCF-style: chr2-149216430-C-T.
Other names: c.103C>T, p.Leu35Phe (NM_018328.5); short protein forms L35F.
Identifiers: ClinVar variation 1008731 (VCV001008731.10), dbSNP rs1201462027, ClinGen allele CA348715692.